The following is an entry in ClinVar:

ClinVar aggregate classification (germline): Uncertain significance (1 of 4 stars; one submission).

Conditions:
Familial cancer of breast. Also called: BREAST CANCER, FAMILIAL; Hereditary breast cancer; hereditary breast carcinoma. Identifiers: Orphanet 227535, MedGen C0346153, MONDO:0016419, OMIM 114480. Disease mechanism: loss of function.

Submission:

Labcorp Genetics (formerly Invitae), Labcorp
Classification: Uncertain significance for Familial cancer of breast. Last evaluated: 2022-05-04. Review status: criteria provided, single submitter. Criteria: Invitae Variant Classification Sherloc (09022015). Collection method: clinical testing. Allele origin: germline.
Comment: This sequence change replaces aspartic acid, which is acidic and polar, with valine, which is neutral and non-polar, at codon 161 of the PALB2 protein (p.Asp161Val). This variant is not present in population databases (gnomAD no frequency). This variant has not been reported in the literature in individuals affected with PALB2-related conditions. Algorithms developed to predict the effect of missense changes on protein structure and function (SIFT, PolyPhen-2, Align-GVGD) all suggest that this variant is likely to be tolerated. In summary, the available evidence is currently insufficient to determine the role of this variant in disease. Therefore, it has been classified as a Variant of Uncertain Significance.

NM_024675.4(PALB2):c.482A>T (p.Asp161Val)

Gene: PALB2 (partner and localizer of BRCA2; minus strand). Cytogenetic location: 16p12.2.
Variant type: single nucleotide variant.
Coding change: c.482A>T on transcript NM_024675.4 (MANE Select); coding-DNA position 482, A replaced by T.
Protein change: p.Asp161Val; replaces aspartic acid 161 with valine.
Molecular consequence: missense variant.
Genome position (GRCh38, 1-based): chr16:23,636,064, T>A on the plus strand (A>T on the coding strand, the complement: PALB2 is on the minus strand). VCF-style: chr16-23636064-T-A. GRCh37 (hg19) VCF-style: chr16-23647385-T-A.
Other names: c.422A>T, p.Asp141Val (NM_001407296.1); c.482A>T, p.Asp161Val (NM_001407297.1, NM_001407298.1, NM_001407299.1 and 3 more transcripts); c.-404A>T (NM_001407304.1, NM_001407305.1, NM_001407306.1 and 5 more transcripts); short protein forms D141V, D161V.
Identifiers: ClinVar variation 2060817 (VCV002060817.4), dbSNP rs748042783, ClinGen allele CA395137105.